The following is an entry in ClinVar:

NM_005219.5(DIAPH1):c.3149-25_3149-12dup

Gene: DIAPH1 (diaphanous related formin 1; minus strand). Cytogenetic location: 5q31.3.
Variant type: Duplication.
Coding change: c.3149-25_3149-12dup on transcript NM_005219.5 (MANE Select); 25 bases into the intron before coding-DNA position 3149 through 12 bases into the intron before coding-DNA position 3149, 14 bases duplicated (TTTTTTTTTTTTTT).
Molecular consequence: intron variant.
Genome position (GRCh38, 1-based): chr5:141,527,700-141,527,713, AAAAAAAAAAAAAA duplicated on the plus strand (TTTTTTTTTTTTTT on the coding strand, the reverse complement: DIAPH1 is on the minus strand); duplicating any 14 consecutive bases within chr5:141,527,700-141,527,722 gives the same sequence; the c. name uses the placement nearest the transcript's 3' end. VCF-style (leftmost placement, unchanged base first): chr5-141527699-T-TAAAAAAAAAAAAAA. GRCh37 (hg19) VCF-style: chr5-140907266-T-TAAAAAAAAAAAAAA.
Other names: c.3122-25_3122-12dup (NM_001079812.3); c.3149-25_3149-12dup (NM_001314007.2); c.3149-16_3149-3dup14 (NM_005219.4).
Identifiers: ClinVar variation 768039 (VCV000768039.5), dbSNP rs79558427, ClinGen allele CA913189151.

ClinVar aggregate classification (germline): Likely benign. Review status: criteria provided, single submitter (1 of 4 stars). 2 submissions from 2 submitters: Likely benign (1). 1 of the submissions does not count toward it. Last evaluated 2017-06-13.

Conditions:
DIAPH1-related disorder. Also called: DIAPH1-related condition.

Submissions (2):

Labcorp Genetics (formerly Invitae), Labcorp
Classification: Likely benign. Last evaluated: 2017-06-13. Review status: criteria provided, single submitter. Criteria: Invitae Variant Classification Sherloc (09022015). Collection method: clinical testing. Allele origin: germline.

PreventionGenetics, part of Exact Sciences
Classification: Likely benign for DIAPH1-related condition. Last evaluated: 2020-02-26. Review status: no assertion criteria provided. Collection method: clinical testing. Allele origin: germline. Not counted in ClinVar's aggregate classification.
Comment: This variant is classified as likely benign based on ACMG/AMP sequence variant interpretation guidelines (Richards et al. 2015 PMID: 25741868, with internal and published modifications).